The following is an entry in ClinVar:

NM_005733.3(KIF20A):c.1790T>C (p.Val597Ala)

Gene: KIF20A (kinesin family member 20A; plus strand). Cytogenetic location: 5q31.2.
Variant type: single nucleotide variant.
Coding change: c.1790T>C on transcript NM_005733.3 (MANE Select); coding-DNA position 1790, T replaced by C.
Protein change: p.Val597Ala; replaces valine 597 with alanine.
Molecular consequence: missense variant.
Genome position (GRCh38, 1-based): chr5:138,184,913, T>C. VCF-style: chr5-138184913-T-C. GRCh37 (hg19) VCF-style: chr5-137520602-T-C.
Other names: short protein forms V597A.
Identifiers: ClinVar variation 2896803 (VCV002896803.3), dbSNP rs754728602, ClinGen allele CA3426704.

ClinVar aggregate classification (germline): Uncertain significance (1 of 4 stars; one submission).

Allele frequency attached by ClinVar (database versions not stated): gnomAD 0.00003.
gnomAD v4.1: 26 of 1,613,982 alleles (0.0016%); highest among the groups gnomAD compares: Non-Finnish European, 0.0022%; no homozygotes.

Submission:

Labcorp Genetics (formerly Invitae), Labcorp
Classification: Uncertain significance. Last evaluated: 2025-12-14. Review status: criteria provided, single submitter. Criteria: Invitae Variant Classification Sherloc (09022015). Collection method: clinical testing. Allele origin: germline.
Comment: This sequence change replaces valine, which is neutral and non-polar, with alanine, which is neutral and non-polar, at codon 597 of the KIF20A protein (p.Val597Ala). This variant is present in population databases (rs754728602, gnomAD 0.006%). This variant has not been reported in the literature in individuals affected with KIF20A-related conditions. ClinVar contains an entry for this variant (Variation ID: 2896803). An algorithm developed to predict the effect of missense changes on protein structure and function (PolyPhen-2) suggests that this variant is likely to be tolerated. In summary, the available evidence is currently insufficient to determine the role of this variant in disease. Therefore, it has been classified as a Variant of Uncertain Significance.